The following is an entry in ClinVar:

NM_005902.4(SMAD3):c.1064C>T (p.Ser355Leu)

Gene: SMAD3 (SMAD family member 3; plus strand). Cytogenetic location: 15q22.33.
Variant type: single nucleotide variant.
Coding change: c.1064C>T on transcript NM_005902.4 (MANE Select); coding-DNA position 1064, C replaced by T.
Protein change: p.Ser355Leu; replaces serine 355 with leucine.
Molecular consequence: missense variant.
Genome position (GRCh38, 1-based): chr15:67,187,419, C>T. VCF-style: chr15-67187419-C-T. GRCh37 (hg19) VCF-style: chr15-67479757-C-T.
Other names: p.S355L:TCG>TTG; c.749C>T, p.Ser250Leu (NM_001145102.2); c.932C>T, p.Ser311Leu (NM_001145103.2); c.479C>T, p.Ser160Leu (NM_001145104.2); short protein forms S355L, S250L, S311L, S160L.
Identifiers: ClinVar variation 213772 (VCV000213772.5), dbSNP rs752776110, ClinGen allele CA061579.

ClinVar aggregate classification (germline): Uncertain significance. Review status: criteria provided, multiple submitters, no conflicts (2 of 4 stars). 3 submissions from 3 submitters: Uncertain significance (3). Last evaluated 2025-06-15.

Conditions:
Familial thoracic aortic aneurysm and aortic dissection (TAAD). Also called: Thoracic aortic aneurysms and dissections. Identifiers: Orphanet 91387, MedGen C4707243, MONDO:0019625.
Aneurysm-osteoarthritis syndrome. Also called: LOEYS-DIETZ SYNDROME WITH OSTEOARTHRITIS; SMAD3-Related Loeys-Dietz Syndrome; Loeys-Dietz syndrome, type 1C; ANEURYSMS-OSTEOARTHRITIS SYNDROME. Identifiers: Orphanet 284984, MedGen C3151087, MONDO:0013426, OMIM 613795.

Allele frequency attached by ClinVar (database versions not stated): gnomAD exomes below 0.00001; ExAC 0.00001.
gnomAD v4.1: 7 of 1,614,142 alleles (0.00043%); highest among the groups gnomAD compares: East Asian, 0.0022%; no homozygotes.

Submissions (3):

Labcorp Genetics (formerly Invitae), Labcorp
Classification: Uncertain significance for Familial thoracic aortic aneurysm and aortic dissection. Last evaluated: 2025-06-15. Review status: criteria provided, single submitter. Criteria: Invitae Variant Classification Sherloc (09022015). Collection method: clinical testing. Allele origin: germline.
Comment: This sequence change replaces serine, which is neutral and polar, with leucine, which is neutral and non-polar, at codon 355 of the SMAD3 protein (p.Ser355Leu). This variant is present in population databases (rs752776110, gnomAD 0.0009%). This variant has not been reported in the literature in individuals affected with SMAD3-related conditions. ClinVar contains an entry for this variant (Variation ID: 213772). Invitae Evidence Modeling of protein sequence and biophysical properties (such as structural, functional, and spatial information, amino acid conservation, physicochemical variation, residue mobility, and thermodynamic stability) indicates that this missense variant is not expected to disrupt SMAD3 protein function with a negative predictive value of 80%. In summary, the available evidence is currently insufficient to determine the role of this variant in disease. Therefore, it has been classified as a Variant of Uncertain Significance.

All of Us Research Program, National Institutes of Health
Classification: Uncertain significance for Aneurysm-osteoarthritis syndrome. Last evaluated: 2023-03-09. Review status: criteria provided, single submitter. Criteria: ACMG Guidelines, 2015. Collection method: clinical testing. Allele origin: germline. Inheritance: Autosomal dominant inheritance. Observed: 1 variant allele, 1 heterozygote.
Comment: This missense variant replaces serine with leucine at codon 355 of the SMAD3 protein. Computational prediction suggests that this variant may have deleterious impact on protein structure and function (internally defined REVEL score threshold >= 0.7, PMID: 27666373). To our knowledge, functional studies have not been reported for this variant. This variant has not been reported in individuals affected with SMAD3-related disorders in the literature. This variant has been identified in 1/251488 chromosomes in the general population by the Genome Aggregation Database (gnomAD). The available evidence is insufficient to determine the role of this variant in disease conclusively. Therefore, this variant is classified as a Variant of Uncertain Significance.

This study involves interpretation of variants in research participants for the purpose of population health screening. Participant phenotype was not available at the time of variant classification. Additional details can be found in publication PMID: 35346344, PMCID: PMC8962531

GeneDx
Classification: Uncertain significance. Last evaluated: 2014-07-30. Review status: criteria provided, single submitter. Criteria: GeneDx Variant Classification (06012015). Collection method: clinical testing. Allele origin: germline. Affected: yes.
Comment: p.Ser355Leu (TCG>TTG): c.1064 C>T in exon 8 of the SMAD3 gene (NM_005902.3). A variant of unknown significance has been identified in the SMAD3 gene. The S355L variant has not been published as a mutation, nor has it been reported as a benign polymorphism to our knowledge. The S355L variant was not observed in approximately 6,500 individuals of European and African American ancestry in the NHLBI Exome Sequencing Project, indicating it is not a common benign variant in these populations. The S355L variant is a non-conservative amino acid substitution, which is likely to impact secondary protein structure as these residues differ in polarity, charge, size and/or other properties. This substitution occurs at a position that is conserved across species. In silico analysis is inconsistent in its predictions as to whether or not the variant is damaging to the protein structure/function. A missense mutation in a nearby residue (A349P) has been reported in association with aneurysms-osteoarthritis syndrome. Therefore, based on the currently available information, it is unclear whether this variant is a pathogenic mutation or a rare benign variant. This variant was found in TAAD